The following is an entry in ClinVar:

ClinVar aggregate classification (germline): Pathogenic (1 of 4 stars; one submission).

Submission:

ISCA Site 6
Classification: Pathogenic. Last evaluated: 2011-08-12. Review status: criteria provided, single submitter. Criteria: Kaminsky et al. (Genet Med. 2011). Collection method: clinical testing. Allele origin: de novo. Affected: yes. Observed: 1 variant allele.
Comment: Copy number variation identified through the course of routine clinical cytogenomic testing in postnatal populations. Clinical assertions have been curated as described in Kaminsky et al. 2011.

GRCh38/hg38 16p13.11(chr16:15434653-16281234)x1

Genes: ABCC1 (ATP binding cassette subfamily C member 1 (ABCC1 blood group); plus strand), ABCC6 (ATP binding cassette subfamily C member 6; minus strand), BMERB1 (bMERB domain containing 1; plus strand), CEP20 (centrosomal protein 20; minus strand), MARF1 (meiosis regulator and mRNA stability factor 1; minus strand) and 21 more. Cytogenetic location: 16p13.11.
Variant type: copy number loss.
Change: copy number 1 (one copy instead of two) of chr16:15,434,653-16,281,234 (846.6 kb, GRCh38 coordinates, 1-based), cytogenetic band 16p13.11.
Identifiers: ClinVar variation 58732 (VCV000058732.2).